The following is an entry in ClinVar:

ClinVar aggregate classification (germline): Pathogenic. Review status: criteria provided, multiple submitters, no conflicts (2 of 4 stars). 3 submissions from 3 submitters: Pathogenic (3). Last evaluated 2024-08-12.

Conditions:
Hypertrophic cardiomyopathy. Also called: HYPERTROPHIC MYOCARDIOPATHY. Identifiers: Orphanet 217569, MedGen C0007194, MeSH D002312, MONDO:0005045, HP:0001639.
Cardiovascular phenotype. Identifiers: MedGen CN230736.

Allele frequency attached by ClinVar (database versions not stated): gnomAD exomes below 0.00001; ExAC 0.00002; ESP Exome Variant Server 0.00008.

Submissions (3):

Labcorp Genetics (formerly Invitae), Labcorp
Classification: Pathogenic for Hypertrophic cardiomyopathy. Last evaluated: 2024-08-12. Review status: criteria provided, single submitter. Criteria: Invitae Variant Classification Sherloc (09022015). Collection method: clinical testing. Allele origin: germline.
Comment: This sequence change creates a premature translational stop signal (p.Asp605Alafs*59) in the MYBPC3 gene. It is expected to result in an absent or disrupted protein product. Loss-of-function variants in MYBPC3 are known to be pathogenic (PMID: 19574547). This variant is present in population databases (rs764743402, gnomAD 0.008%). This variant has not been reported in the literature in individuals affected with MYBPC3-related conditions. ClinVar contains an entry for this variant (Variation ID: 504090). For these reasons, this variant has been classified as Pathogenic.

Ambry Genetics
Classification: Pathogenic for Cardiovascular phenotype. Last evaluated: 2020-07-02. Review status: criteria provided, single submitter. Criteria: Ambry Variant Classification Scheme 2023. Collection method: clinical testing. Allele origin: germline.
Comment: The c.1812_1813dupCG variant, located in coding exon 19 of the MYBPC3 gene, results from a duplication of CG at nucleotide position 1812, causing a translational frameshift with a predicted alternate stop codon (p.D605Afs*59). This variant was observed in an ostensibly healthy control subject from a hypertrophic cardiomyopathy (HCM) genetic testing cohort; however, clinical details were not provided for control participants (Kapplinger JD et al. J Cardiovasc Transl Res, 2014 Apr;7:347-61). This alteration is expected to result in loss of function by premature protein truncation or nonsense-mediated mRNA decay. As such, this alteration is interpreted as a disease-causing mutation.

GeneDx
Classification: Pathogenic. Last evaluated: 2018-01-19. Review status: criteria provided, single submitter. Criteria: GeneDx Variant Classification (06012015). Collection method: clinical testing. Allele origin: germline. Affected: yes.
Comment: Although the c.1812_1813dupCG pathogenic variant in the MYBPC3 gene has not been published in individuals with cardiomyopathy to our knowledge, this variant causes a shift in reading frame starting at codon aspartic acid 605, changing it to an alanine, and creating a premature stop codon at position 59 of the new reading frame, denoted p.Asp605AlafsX59. This pathogenic variant is expected to result in either an abnormal, truncated protein product or loss of protein from this allele through nonsense-mediated mRNA decay. Multiple other frameshift variants in the MYBPC3 gene have been reported in the Human Gene Mutation Database in association with cardiomyopathy (Stenson et al., 2014), indicating that loss of function is a mechanism of disease for this gene. Furthermore, the c.1812_1813dupCG variant has not been observed at a significant frequency in large population cohorts (Kapplinger et al., 2014; Lek et al., 2016).

Literature cited by the submitters: PubMed 19574547 (cited by Labcorp Genetics (formerly Invitae), Labcorp); PubMed 24510615 (cited by Ambry Genetics).

NM_000256.3(MYBPC3):c.1812_1813dup (p.Asp605fs)

Gene: MYBPC3 (myosin binding protein C3; minus strand). Cytogenetic location: 11p11.2.
Variant type: Duplication.
Coding change: c.1812_1813dup on transcript NM_000256.3 (MANE Select); coding-DNA positions 1812 to 1813, 2 bases duplicated (CG; older notation c.1812_1813dupCG).
Protein change: p.Asp605fs; shifts the reading frame from aspartic acid 605.
Molecular consequence: frameshift variant.
Genome position (GRCh38, 1-based): chr11:47,341,222-47,341,223, CG duplicated on the plus strand (CG on the coding strand, the reverse complement: MYBPC3 is on the minus strand). VCF-style (leftmost placement, unchanged base first): chr11-47341221-T-TCG. GRCh37 (hg19) VCF-style: chr11-47362772-T-TCG.
Other names: c.1812_1813dupCG (NM_000256.3); c.1812_1813dup, p.Asp605fs (LRG_386t1); short protein forms D605fs.
Identifiers: ClinVar variation 504090 (VCV000504090.5), dbSNP rs764743402, ClinGen allele CA5975372.
Genomic context (GRCh38, chr11:47,341,221, plus strand): 5'-AGGTTGCAGGCGAAGCCCTCGGGCACAAAGCTGTAGTCAGCCTCGTCGGCAGGTGTGACG[T>TCG]CGTCAATGGTCAGTTTGTGGACCCTGCAGGGGAGCAGTGGCTCAGGGGACCCCACTGGGC-3'